The following is an entry in ClinVar:

NM_005359.6(SMAD4):c.664A>G (p.Thr222Ala)

Gene: SMAD4 (SMAD family member 4; plus strand). Cytogenetic location: 18q21.2.
Variant type: single nucleotide variant.
Coding change: c.664A>G on transcript NM_005359.6 (MANE Select); coding-DNA position 664, A replaced by G.
Protein change: p.Thr222Ala; replaces threonine 222 with alanine.
Molecular consequence: missense variant.
Genome position (GRCh38, 1-based): chr18:51,054,990, A>G. VCF-style: chr18-51054990-A-G. GRCh37 (hg19) VCF-style: chr18-48581360-A-G.
Other names: short protein forms T222A.
Identifiers: ClinVar variation 484795 (VCV000484795.23), dbSNP rs770461626, ClinGen allele CA8965842.

ClinVar aggregate classification (germline): Conflicting classifications of pathogenicity. Review status: criteria provided, conflicting classifications (1 of 4 stars). 10 submissions from 10 submitters: Uncertain significance (8); Likely benign (2). Last evaluated 2026-03-19.

Conditions:
Juvenile polyposis syndrome (JPS). Identifiers: Orphanet 2929, MedGen C0345893, MONDO:0017380, OMIM 174900.
Hereditary cancer-predisposing syndrome. Also called: Neoplastic Syndromes, Hereditary; Hereditary neoplastic syndrome; Hereditary Cancer Syndrome; Tumor predisposition. Identifiers: Orphanet 140162, MedGen C0027672, MeSH D009386, MONDO:0015356.
Juvenile polyposis/hereditary hemorrhagic telangiectasia syndrome (JPHT). Also called: Juvenile Polyposis Syndrome / Hereditary Hemorrhagic Telangiectasia (JPS/HHT); JP/HHT SYNDROME; JUVENILE POLYPOSIS WITH HEREDITARY HEMORRHAGIC TELANGIECTASIA; POLYPOSIS, GENERALIZED JUVENILE, WITH PULMONARY ARTERIOVENOUS MALFORMATION; TELANGIECTASIA, HEREDITARY HEMORRHAGIC, WITH JUVENILE POLYPOSIS COLI. Identifiers: Orphanet 2929, MedGen C1832942, MONDO:0008278, OMIM 175050.
Familial thoracic aortic aneurysm and aortic dissection (TAAD). Also called: Thoracic aortic aneurysms and dissections. Identifiers: Orphanet 91387, MedGen C4707243, MONDO:0019625.

Allele frequency attached by ClinVar (database versions not stated): gnomAD exomes below 0.00001; ExAC 0.00001.

Submissions (10):

Ambry Genetics
Classification: Uncertain significance for Hereditary cancer-predisposing syndrome; Familial thoracic aortic aneurysm and aortic dissection. Last evaluated: 2026-03-19. Review status: criteria provided, single submitter. Criteria: Ambry Variant Classification Scheme 2023. Collection method: clinical testing. Allele origin: germline.
Comment: The c.664A>G (p.T222A) alteration is located in exon 5 (coding exon 4) of the SMAD4 gene. This alteration results from a A to G substitution at nucleotide position 664, causing the threonine (T) at amino acid position 222 to be replaced by an alanine (A). Based on data from gnomAD, the G allele has an overall frequency of <0.001% (1/251418) total alleles studied. The highest observed frequency was 0.001% (1/113704) of European (non-Finnish) alleles. Based on insufficient or conflicting evidence, the clinical significance of this alteration remains unclear.

Helix
Classification: Uncertain significance for Juvenile polyposis syndrome. Last evaluated: 2025-10-17. Review status: criteria provided, single submitter. Criteria: ACMG Guidelines, 2015. Collection method: clinical testing. Allele origin: germline. Inheritance: Autosomal dominant inheritance.
Comment: This variant (NM_005359.6:c.664A>G p.Thr222Ala) results in the substitution of threonine with alanine at codon 222 in the SMAD4 protein. It is a rare variant that is absent from the large gnomAD population database (v4.1). To our knowledge, this variant has not been reported in individuals with SMAD4-related conditions in the published literature. In silico prediction from REVEL (PMID: 27666373) suggests that this variant may be benign. This variant is present in ClinVar (Variation ID: 484795). In conclusion, since the available evidence is limited, the clinical significance of this variant is unclear at this time. Therefore, it is classified as a Variant of Uncertain Significance.

Dasa
Classification: Uncertain significance. Last evaluated: 2025-03-17. Review status: criteria provided, single submitter. Criteria: DASA Assertion Criteria. Collection method: clinical testing. Allele origin: germline.
Comment: NM_005359.6(SMAD4):c.664A>G (p.Thr222Ala) is a missense variant that results in the substitution of threonine with alanine. This variant is rare in population databases. Computational prediction algorithms are consistent with a benign effect. The currently available literature and clinical evidence are not sufficient to establish a definitive association between this variant and the reported condition. Therefore, this variant is classified as a variant of uncertain significance.

Women's Health and Genetics/Laboratory Corporation of America, LabCorp
Classification: Uncertain significance. Last evaluated: 2024-10-22. Review status: criteria provided, single submitter. Criteria: LabCorp Variant Classification Summary - May 2015. Collection method: clinical testing. Allele origin: germline.
Comment: Variant summary: SMAD4 c.664A>G (p.Thr222Ala) results in a non-conservative amino acid change in the encoded protein sequence. Three of five in-silico tools predict a benign effect of the variant on protein function. The variant allele was found at a frequency of 4e-06 in 251418 control chromosomes. The available data on variant occurrences in the general population are insufficient to allow any conclusion about variant significance. To our knowledge, no occurrence of c.664A>G in individuals affected with Aortopathy and no experimental evidence demonstrating its impact on protein function have been reported. ClinVar contains an entry for this variant (Variation ID: 484795). Based on the evidence outlined above, the variant was classified as uncertain significance.

Color Diagnostics, LLC DBA Color Health
Classification: Likely benign for Hereditary cancer-predisposing syndrome. Last evaluated: 2024-10-11. Review status: criteria provided, single submitter. Criteria: ACMG Guidelines, 2015. Collection method: clinical testing. Allele origin: germline.

Labcorp Genetics (formerly Invitae), Labcorp
Classification: Uncertain significance for Juvenile polyposis syndrome. Last evaluated: 2024-08-17. Review status: criteria provided, single submitter. Criteria: Invitae Variant Classification Sherloc (09022015). Collection method: clinical testing. Allele origin: germline.
Comment: This sequence change replaces threonine, which is neutral and polar, with alanine, which is neutral and non-polar, at codon 222 of the SMAD4 protein (p.Thr222Ala). This variant is present in population databases (rs770461626, gnomAD 0.0009%). This missense change has been observed in individual(s) with kidney cancer (PMID: 29684080). ClinVar contains an entry for this variant (Variation ID: 484795). Invitae Evidence Modeling of protein sequence and biophysical properties (such as structural, functional, and spatial information, amino acid conservation, physicochemical variation, residue mobility, and thermodynamic stability) indicates that this missense variant is not expected to disrupt SMAD4 protein function with a negative predictive value of 95%. In summary, the available evidence is currently insufficient to determine the role of this variant in disease. Therefore, it has been classified as a Variant of Uncertain Significance.

Baylor Genetics
Classification: Uncertain significance for Juvenile polyposis/hereditary hemorrhagic telangiectasia syndrome. Last evaluated: 2024-03-20. Review status: criteria provided, single submitter. Criteria: ACMG Guidelines, 2015. Collection method: clinical testing. Allele origin: unknown.

All of Us Research Program, National Institutes of Health
Classification: Likely benign for Juvenile polyposis/hereditary hemorrhagic telangiectasia syndrome. Last evaluated: 2023-06-26. Review status: criteria provided, single submitter. Criteria: ACMG Guidelines, 2015. Collection method: clinical testing. Allele origin: germline. Inheritance: Autosomal dominant inheritance. Observed: 1 variant allele, 1 heterozygote.
Comment: This study involves interpretation of variants in research participants for the purpose of population health screening. Participant phenotype was not available at the time of variant classification. Additional details can be found in publication PMID: 35346344, PMCID: PMC8962531

GeneDx
Classification: Uncertain significance. Last evaluated: 2023-01-26. Review status: criteria provided, single submitter. Criteria: GeneDx Variant Classification Process June 2021. Collection method: clinical testing. Allele origin: germline. Affected: yes.
Comment: Identified in a case from The Cancer Genome Atlas (TCGA) with kidney renal papillary cell carcinoma (Yehia et al., 2018); Not observed at significant frequency in large population cohorts (gnomAD); In silico analysis supports that this missense variant does not alter protein structure/function; This variant is associated with the following publications: (PMID: 15235019, 18823382, 22992590, 29684080)

Quest Diagnostics Nichols Institute San Juan Capistrano
Classification: Uncertain significance. Last evaluated: 2018-11-02. Review status: criteria provided, single submitter. Criteria: Quest Diagnostics criteria. Collection method: clinical testing. Allele origin: germline.

Literature cited by the submitters: PubMed 29684080 (cited by Labcorp Genetics (formerly Invitae), Labcorp and Quest Diagnostics Nichols Institute San Juan Capistrano).